The following is an entry in ClinVar:

ClinVar aggregate classification (germline): Uncertain significance. Review status: criteria provided, multiple submitters, no conflicts (2 of 4 stars). 2 submissions from 2 submitters: Uncertain significance (2). Last evaluated 2024-10-29.

Conditions:
Cardiovascular phenotype. Identifiers: MedGen CN230736.
Primary dilated cardiomyopathy (DCM). Also called: Dilated Cardiomyopathy. Identifiers: Orphanet 217604, MedGen C0007193, MeSH D002311, MONDO:0005021, HP:0001644. Inheritance: Various modes of inheritance.

gnomAD v4.1: 5 of 1,528,418 alleles (0.00033%); highest among the groups gnomAD compares: Non-Finnish European, 0.00044%; no homozygotes.

Submissions (2):

Labcorp Genetics (formerly Invitae), Labcorp
Classification: Uncertain significance for Primary dilated cardiomyopathy. Last evaluated: 2024-10-29. Review status: criteria provided, single submitter. Criteria: Invitae Variant Classification Sherloc (09022015). Collection method: clinical testing. Allele origin: germline.
Comment: This sequence change replaces alanine, which is neutral and non-polar, with glycine, which is neutral and non-polar, at codon 7 of the TXNRD2 protein (p.Ala7Gly). This variant is not present in population databases (gnomAD no frequency). This variant has not been reported in the literature in individuals affected with TXNRD2-related conditions. ClinVar contains an entry for this variant (Variation ID: 1785876). An algorithm developed to predict the effect of missense changes on protein structure and function (PolyPhen-2) suggests that this variant is likely to be disruptive. In summary, the available evidence is currently insufficient to determine the role of this variant in disease. Therefore, it has been classified as a Variant of Uncertain Significance.

Ambry Genetics
Classification: Uncertain significance for Cardiovascular phenotype. Last evaluated: 2020-11-25. Review status: criteria provided, single submitter. Criteria: Ambry Variant Classification Scheme 2023. Collection method: clinical testing. Allele origin: germline.
Comment: The p.A7G variant (also known as c.20C>G), located in coding exon 1 of the TXNRD2 gene, results from a C to G substitution at nucleotide position 20. The alanine at codon 7 is replaced by glycine, an amino acid with similar properties. This amino acid position is well conserved in available vertebrate species. In addition, this alteration is predicted to be tolerated by in silico analysis. Since supporting evidence is limited at this time, the clinical significance of this alteration remains unclear.

NM_006440.5(TXNRD2):c.20C>G (p.Ala7Gly)

Genes: COMT (catechol-O-methyltransferase; plus strand), TXNRD2 (thioredoxin reductase 2; minus strand). Cytogenetic location: 22q11.21.
Variant type: single nucleotide variant.
Coding change: c.20C>G on transcript NM_006440.5 (MANE Select); coding-DNA position 20, C replaced by G.
Protein change: p.Ala7Gly; replaces alanine 7 with glycine.
Molecular consequence: missense variant. On other transcripts: non-coding transcript variant (1), 5 prime UTR variant (2).
Genome position (GRCh38, 1-based): chr22:19,941,784, G>C on the plus strand (C>G on the coding strand, the complement: TXNRD2 is on the minus strand). VCF-style: chr22-19941784-G-C. GRCh37 (hg19) VCF-style: chr22-19929307-G-C.
Other names: c.20C>G, p.Ala7Gly (NM_001282512.3, NM_001352300.2); c.-205G>C (NM_000754.4); c.-499G>C (NM_001362828.2); short protein forms A7G.
Identifiers: ClinVar variation 1785876 (VCV001785876.5), dbSNP rs1230683925, ClinGen allele CA410700146.